The following is an entry in ClinVar:

ClinVar aggregate classification (germline): Uncertain significance (1 of 4 stars; one submission).

Submission:

GeneDx
Classification: Uncertain significance. Last evaluated: 2026-03-02. Review status: criteria provided, single submitter. Criteria: GeneDx Variant Classification Process June 2021. Collection method: clinical testing. Allele origin: germline.
Comment: Not observed at significant frequency in large population cohorts (gnomAD); Missense variant in a gene in which most reported pathogenic variants are truncating/loss of function; Has not been previously published as pathogenic or benign to our knowledge

NM_001267550.2(TTN):c.256T>G (p.Ser86Ala)

Gene: TTN (titin; minus strand). Cytogenetic location: 2q31.2.
Variant type: single nucleotide variant.
Coding change: c.256T>G on transcript NM_001267550.2 (MANE Select); coding-DNA position 256, T replaced by G.
Protein change: p.Ser86Ala; replaces serine 86 with alanine.
Molecular consequence: missense variant.
Genome position (GRCh38, 1-based): chr2:178,802,177, A>C on the plus strand (T>G on the coding strand, the complement: TTN is on the minus strand). VCF-style: chr2-178802177-A-C. GRCh37 (hg19) VCF-style: chr2-179666904-A-C.
Other names: c.256T>G, p.Ser86Ala (NM_001256850.1, NM_003319.4, NM_133378.4 and 3 more transcripts); short protein forms S86A.
Identifiers: ClinVar variation 5008277 (VCV005008277.1).